The following is an entry in ClinVar:

ClinVar aggregate classification (germline): Pathogenic (1 of 4 stars; one submission).

Conditions:
Oculocutaneous albinism type 1. Also called: Albinism 1; ALBINISM I. Identifiers: Orphanet 352731, MedGen C0268494, MONDO:0018135. Disease mechanism: loss of function.

Submission:

Myriad Genetics, Inc.
Classification: Pathogenic for Oculocutaneous albinism type 1. Last evaluated: 2025-12-28. Review status: criteria provided, single submitter. Criteria: Myriad Autosomal Dominant, Autosomal Recessive and X-Linked Classification Criteria (2023). Collection method: clinical testing. Allele origin: unknown.
Comment: NM_000372.4(TYR):c.1408C>T(Q470*) is a nonsense variant classified as pathogenic in the context of oculocutaneous albinism, TYR-related. Q470* has not been observed in cases with relevant disease. Relevant functional assessments of this variant are not available in the literature. Q470* has not been observed in referenced population frequency databases. In summary, NM_000372.4(TYR):c.1408C>T(Q470*) is a nonsense variant in a gene where loss of function is a known mechanism of disease and is predicted to disrupt protein function. Please note: this variant was assessed in the context of healthy population screening.

NM_000372.5(TYR):c.1408C>T (p.Gln470Ter)

Gene: TYR (tyrosinase; plus strand). Cytogenetic location: 11q14.3.
Variant type: single nucleotide variant.
Coding change: c.1408C>T on transcript NM_000372.5 (MANE Select); coding-DNA position 1408, C replaced by T.
Protein change: p.Gln470Ter; replaces glutamine 470 with a stop codon.
Molecular consequence: nonsense.
Genome position (GRCh38, 1-based): chr11:89,295,184, C>T. VCF-style: chr11-89295184-C-T. GRCh37 (hg19) VCF-style: chr11-89028352-C-T.
Other names: short protein forms Q470*.
Identifiers: ClinVar variation 5004030 (VCV005004030.1).
Genomic context (GRCh38, chr11:89,295,184, plus strand): 5'-GGATGTCTTTTTATTTCAGACCCAGACTCTTTTCAAGACTACATTAAGTCCTATTTGGAA[C>T]AAGCGAGTCGGATCTGGTCATGGCTCCTTGGGGCGGCGATGGTAGGGGCCGTCCTCACTG-3'